The following is an entry in ClinVar:

ClinVar aggregate classification (germline): Uncertain significance (1 of 4 stars; one submission).

Conditions:
Gastrointestinal stromal tumor. Also called: Gastrointestinal stroma tumor; Gastrointestinal stromal tumor, somatic. Identifiers: Orphanet 44890, MedGen C0238198, MeSH D046152, MONDO:0011719, OMIM 606764, HP:0100723.

gnomAD v4.1: 1 of 1,612,422 alleles (0.000062%); highest among the groups gnomAD compares: Non-Finnish European, 0.000085%; no homozygotes.

Submission:

Labcorp Genetics (formerly Invitae), Labcorp
Classification: Uncertain significance for Gastrointestinal stromal tumor. Last evaluated: 2025-03-05. Review status: criteria provided, single submitter. Criteria: Invitae Variant Classification Sherloc (09022015). Collection method: clinical testing. Allele origin: germline.
Comment: This sequence change replaces asparagine, which is neutral and polar, with aspartic acid, which is acidic and polar, at codon 719 of the KIT protein (p.Asn719Asp). This variant is not present in population databases (gnomAD no frequency). This variant has not been reported in the literature in individuals affected with KIT-related conditions. ClinVar contains an entry for this variant (Variation ID: 1355586). An algorithm developed to predict the effect of missense changes on protein structure and function outputs the following: PolyPhen-2: "Benign". The aspartic acid amino acid residue is found in multiple mammalian species, which suggests that this missense change does not adversely affect protein function. In summary, the available evidence is currently insufficient to determine the role of this variant in disease. Therefore, it has been classified as a Variant of Uncertain Significance.

NM_000222.3(KIT):c.2155A>G (p.Asn719Asp)

Gene: KIT (KIT proto-oncogene, receptor tyrosine kinase; plus strand). Cytogenetic location: 4q12.
Variant type: single nucleotide variant.
Coding change: c.2155A>G on transcript NM_000222.3 (MANE Select); coding-DNA position 2155, A replaced by G.
Protein change: p.Asn719Asp; replaces asparagine 719 with aspartic acid.
Molecular consequence: missense variant.
Genome position (GRCh38, 1-based): chr4:54,731,341, A>G. VCF-style: chr4-54731341-A-G. GRCh37 (hg19) VCF-style: chr4-55597507-A-G.
Other names: c.2143A>G, p.Asn715Asp (NM_001093772.2, NM_001385292.1); c.2158A>G, p.Asn720Asp (NM_001385284.1); c.2152A>G, p.Asn718Asp (NM_001385285.1); c.2140A>G, p.Asn714Asp (NM_001385286.1); c.2146A>G, p.Asn716Asp (NM_001385288.1); c.2155A>G, p.Asn719Asp (NM_001385290.1); short protein forms N714D, N719D, N716D, N718D, N715D, N720D.
Identifiers: ClinVar variation 1355586 (VCV001355586.6), dbSNP rs1560420768, ClinGen allele CA356910116.